The following is an entry in ClinVar:

ClinVar aggregate classification (germline): Uncertain significance (1 of 4 stars; one submission).

Conditions:
Autosomal dominant epilepsy with auditory features. Identifiers: Orphanet 101046, MedGen C1838062, MONDO:0010898.

Submission:

Labcorp Genetics (formerly Invitae), Labcorp
Classification: Uncertain significance for Autosomal dominant epilepsy with auditory features. Last evaluated: 2023-09-10. Review status: criteria provided, single submitter. Criteria: Invitae Variant Classification Sherloc (09022015). Collection method: clinical testing. Allele origin: germline.
Comment: In summary, the available evidence is currently insufficient to determine the role of this variant in disease. Therefore, it has been classified as a Variant of Uncertain Significance. This variant has not been reported in the literature in individuals affected with LGI1-related conditions. This variant results in a copy number gain of the genomic region encompassing exon(s) 5-8 of the LGI1 gene. This region includes the termination codon of the gene. This copy number gain extends beyond the assayed region for this gene and therefore may encompass additional genes. As the precise location of this event is unknown, it may be in tandem or it may be located elsewhere in the genome.

NC_000010.10:g.(?_95549836)_(95557560_?)dup

Gene: LGI1 (leucine rich glioma inactivated 1; plus strand). Cytogenetic location: 10q23.33.
Variant type: Duplication.
Identifiers: ClinVar variation 2425296 (VCV002425296.4).